The following is an entry in ClinVar:

ClinVar aggregate classification (germline): Benign/Likely benign. Review status: criteria provided, multiple submitters, no conflicts (2 of 4 stars). 5 submissions from 5 submitters: Benign (2); Likely benign (1). 2 of the submissions do not count toward it. Last evaluated 2024-10-08.

Conditions:
EYS-related disorder. Also called: EYS-related condition.
Retinitis pigmentosa 25 (RP25). Identifiers: Orphanet 791, MedGen C1864446, MONDO:0011272, OMIM 602772.

Submissions (5):

Labcorp Genetics (formerly Invitae), Labcorp
Classification: Benign. Last evaluated: 2024-10-08. Review status: criteria provided, single submitter. Criteria: Invitae Variant Classification Sherloc (09022015). Collection method: clinical testing. Allele origin: germline.

Blueprint Genetics
Classification: Likely benign. Last evaluated: 2024-05-30. Review status: criteria provided, single submitter. Criteria: ACMG Guidelines, 2015. Collection method: clinical testing. Allele origin: germline.

ARUP Laboratories, Molecular Genetics and Genomics, ARUP Laboratories
Classification: Benign for Retinitis pigmentosa 25. Last evaluated: 2023-10-02. Review status: criteria provided, single submitter. Criteria: ARUP Molecular Germline Variant Investigation Process 2024. Collection method: clinical testing. Allele origin: germline.

Natera, Inc.
Classification: Uncertain significance for Retinitis pigmentosa type 25. Last evaluated: 2020-01-24. Review status: no assertion criteria provided. Collection method: clinical testing. Allele origin: germline. Not counted in ClinVar's aggregate classification.

PreventionGenetics, part of Exact Sciences
Classification: Likely benign for EYS-related condition. Last evaluated: 2019-12-06. Review status: no assertion criteria provided. Collection method: clinical testing. Allele origin: germline. Not counted in ClinVar's aggregate classification.
Comment: This variant is classified as likely benign based on ACMG/AMP sequence variant interpretation guidelines (Richards et al. 2015 PMID: 25741868, with internal and published modifications).

NM_001142800.2(EYS):c.6079-24TC[8]

Gene: EYS (EGF-like photoreceptor maintenance factor; minus strand). Cytogenetic location: 6q12.
Variant type: Microsatellite.
Coding change: c.6079-24TC[8] on transcript NM_001142800.2 (MANE Select); eight copies in a row of the 2-base unit TC starting at c.6079-24; the reference has 11 copies in a row; three copies, 6 bases deleted.
Molecular consequence: intron variant.
Genome position (GRCh38, 1-based): chr6:64,307,085-64,307,090, GAGAGA deleted on the plus strand (TCTCTC on the coding strand, the reverse complement: EYS is on the minus strand); deleting any 6 consecutive bases within chr6:64,307,085-64,307,106 gives the same sequence; the position shown is the placement nearest the transcript's 3' end. VCF-style (leftmost placement, unchanged base first): chr6-64307084-TGAGAGA-T. GRCh37 (hg19) VCF-style: chr6-65016977-TGAGAGA-T.
Other names: c.6079-24TC[8] (NM_001292009.2); c.6079-8_6079-3del6 (NM_001142800.1); c.6079-8_6079-3del (NM_001142800.1); c.6079-8_6079-3delTCTCTC (NM_001142800.2).
Identifiers: ClinVar variation 726159 (VCV000726159.24), dbSNP rs35395170, ClinGen allele CA3876940.
Genomic context (GRCh38, chr6:64,307,084, plus strand): 5'-CAGTTATTTATTTCTATAACTTCTATGCAGCCAGTAAAATTCTTGACTGGTACAGGCATC[TGAGAGA>T]GAGAGAGAGAGAGAGAAGTAGAGATAATTTAAATGATTTTCTTGAATATATTATTCTTGC-3'